The following is an entry in ClinVar:

ClinVar aggregate classification (germline): Likely benign. Review status: criteria provided, multiple submitters, no conflicts (2 of 4 stars). 2 submissions from 2 submitters: Likely benign (2). Last evaluated 2022-08-21.

Allele frequency attached by ClinVar (database versions not stated): gnomAD exomes 0.00001 and 0.00002; TOPMed 0.00006; gnomAD 0.00013 and 0.00014.
gnomAD v4.1: 31 of 1,609,094 alleles (0.0019%); highest among the groups gnomAD compares: Admixed American, 0.043%; no homozygotes.

Submissions (2):

Labcorp Genetics (formerly Invitae), Labcorp
Classification: Likely benign. Last evaluated: 2022-08-21. Review status: criteria provided, single submitter. Criteria: Invitae Variant Classification Sherloc (09022015). Collection method: clinical testing. Allele origin: germline.

GeneDx
Classification: Likely benign. Last evaluated: 2016-02-17. Review status: criteria provided, single submitter. Criteria: GeneDx Variant Classification (06012015). Collection method: clinical testing. Allele origin: germline. Affected: yes.
Comment: This variant is considered likely benign or benign based on one or more of the following criteria: it is a conservative change, it occurs at a poorly conserved position in the protein, it is predicted to be benign by multiple in silico algorithms, and/or has population frequency not consistent with disease.

NM_001098.3(ACO2):c.1033-9T>G

Gene: ACO2 (aconitase 2; plus strand). Cytogenetic location: 22q13.2.
Variant type: single nucleotide variant.
Coding change: c.1033-9T>G on transcript NM_001098.3 (MANE Select); 9 bases into the intron before coding-DNA position 1033, T replaced by G.
Molecular consequence: intron variant.
Genome position (GRCh38, 1-based): chr22:41,520,162, T>G. VCF-style: chr22-41520162-T-G. GRCh37 (hg19) VCF-style: chr22-41916166-T-G.
Identifiers: ClinVar variation 382468 (VCV000382468.5), dbSNP rs1057521364, ClinGen allele CA16608191.